The following is an entry in ClinVar:

NM_000465.4(BARD1):c.2067C>T (p.Asp689=)

Gene: BARD1 (BRCA1 associated RING domain 1; minus strand). Cytogenetic location: 2q35.
Variant type: single nucleotide variant.
Coding change: c.2067C>T on transcript NM_000465.4 (MANE Select); coding-DNA position 2067, C replaced by T.
Protein change: p.Asp689=; no amino-acid change (aspartic acid 689 retained).
Molecular consequence: synonymous variant. On other transcripts: non-coding transcript variant (3).
Genome position (GRCh38, 1-based): chr2:214,728,943, G>A on the plus strand (C>T on the coding strand, the complement: BARD1 is on the minus strand). VCF-style: chr2-214728943-G-A. GRCh37 (hg19) VCF-style: chr2-215593667-G-A.
Other names: c.2010C>T, p.Asp670= (NM_001282543.2); c.714C>T, p.Asp238= (NM_001282545.2); c.657C>T, p.Asp219= (NM_001282548.2); c.528C>T, p.Asp176= (NM_001282549.2); c.2067C>T (NM_000465.2).
Identifiers: ClinVar variation 1632965 (VCV001632965.11), dbSNP rs1692224260, ClinGen allele CA431393945.

ClinVar aggregate classification (germline): Benign/Likely benign. Review status: criteria provided, multiple submitters, no conflicts (2 of 4 stars). 3 submissions from 3 submitters: Benign (1); Likely benign (2). Last evaluated 2025-03-20.

Conditions:
Hereditary cancer-predisposing syndrome. Also called: Neoplastic Syndromes, Hereditary; Tumor predisposition; Hereditary Cancer Syndrome; Hereditary neoplastic syndrome. Identifiers: Orphanet 140162, MedGen C0027672, MeSH D009386, MONDO:0015356.
Familial cancer of breast. Also called: BREAST CANCER, FAMILIAL; Hereditary breast cancer; hereditary breast carcinoma. Identifiers: Orphanet 227535, MedGen C0346153, MONDO:0016419, OMIM 114480. Disease mechanism: loss of function.

Allele frequency attached by ClinVar (database versions not stated): gnomAD exomes below 0.00001.
gnomAD v4.1: 1 of 1,614,174 alleles (0.000062%); highest among the groups gnomAD compares: Non-Finnish European, 0.000085%; no homozygotes.

Submissions (3):

Ambry Genetics
Classification: Likely benign for Hereditary cancer-predisposing syndrome. Last evaluated: 2025-03-20. Review status: criteria provided, single submitter. Criteria: Ambry Variant Classification Scheme 2023. Collection method: clinical testing. Allele origin: germline.

Myriad Genetics, Inc.
Classification: Benign for Familial cancer of breast. Last evaluated: 2024-07-29. Review status: criteria provided, single submitter. Criteria: Myriad Autosomal Dominant, Autosomal Recessive and X-Linked Classification Criteria (2023). Collection method: clinical testing. Allele origin: unknown.
Comment: This variant is considered benign. This variant is a silent/synonymous amino acid change and it is not expected to impact splicing.

Labcorp Genetics (formerly Invitae), Labcorp
Classification: Likely benign for Familial cancer of breast. Last evaluated: 2021-03-19. Review status: criteria provided, single submitter. Criteria: Invitae Variant Classification Sherloc (09022015). Collection method: clinical testing. Allele origin: germline.